The following is an entry in ClinVar:

NM_000070.3(CAPN3):c.1442T>C (p.Leu481Pro)

Gene: CAPN3 (calpain 3; plus strand). Cytogenetic location: 15q15.1.
Variant type: single nucleotide variant.
Coding change: c.1442T>C on transcript NM_000070.3 (MANE Select); coding-DNA position 1442, T replaced by C.
Protein change: p.Leu481Pro; replaces leucine 481 with proline.
Molecular consequence: missense variant.
Genome position (GRCh38, 1-based): chr15:42,401,728, T>C. VCF-style: chr15-42401728-T-C. GRCh37 (hg19) VCF-style: chr15-42693926-T-C.
Other names: c.1442T>C, p.Leu481Pro (NM_024344.2); c.1298T>C, p.Leu433Pro (NM_173087.2); short protein forms L481P, L433P.
Identifiers: ClinVar variation 285679 (VCV000285679.8), dbSNP rs886043175, ClinGen allele CA10605202.

ClinVar aggregate classification (germline): Conflicting classifications of pathogenicity. Review status: criteria provided, conflicting classifications (1 of 4 stars). 2 submissions from 2 submitters: Pathogenic (1); Uncertain significance (1). Last evaluated 2024-03-24.

Conditions:
Autosomal recessive limb-girdle muscular dystrophy type 2A (LGMDR1). Also called: Calpainopathy; MUSCULAR DYSTROPHY, PELVOFEMORAL; Limb-girdle muscular dystrophy, type 2A; Muscular dystrophy, limb-girdle, type 2A, Amish; LEYDEN-MOEBIUS MUSCULAR DYSTROPHY. Identifiers: Orphanet 267, MedGen C1869123, MONDO:0009675, OMIM 253600. Disease mechanism: loss of function.

Allele frequency attached by ClinVar (database versions not stated): gnomAD exomes below 0.00001.

Submissions (2):

Labcorp Genetics (formerly Invitae), Labcorp
Classification: Pathogenic for Autosomal recessive limb-girdle muscular dystrophy type 2A. Last evaluated: 2024-03-24. Review status: criteria provided, single submitter. Criteria: Invitae Variant Classification Sherloc (09022015). Collection method: clinical testing. Allele origin: germline.
Comment: This sequence change replaces leucine, which is neutral and non-polar, with proline, which is neutral and non-polar, at codon 481 of the CAPN3 protein (p.Leu481Pro). This variant is not present in population databases (gnomAD no frequency). This missense change has been observed in individual(s) with autosomal recessive limb-girdle muscular dystrophy (Invitae). In at least one individual the data is consistent with being in trans (on the opposite chromosome) from a pathogenic variant. It has also been observed to segregate with disease in related individuals. ClinVar contains an entry for this variant (Variation ID: 285679). Advanced modeling of protein sequence and biophysical properties (such as structural, functional, and spatial information, amino acid conservation, physicochemical variation, residue mobility, and thermodynamic stability) performed at Invitae indicates that this missense variant is expected to disrupt CAPN3 protein function with a positive predictive value of 80%. For these reasons, this variant has been classified as Pathogenic.

Eurofins Ntd Llc (ga)
Classification: Uncertain significance. Last evaluated: 2016-01-25. Review status: criteria provided, single submitter. Criteria: EGL Classification Definitions 2015. Collection method: clinical testing. Allele origin: germline. Observed: 3 variant alleles, 3 heterozygotes.